The following is an entry in ClinVar:

NM_000528.4(MAN2B1):c.2145G>A (p.Ser715=)

Gene: MAN2B1 (mannosidase alpha class 2B member 1; minus strand). Cytogenetic location: 19p13.13.
Variant type: single nucleotide variant.
Coding change: c.2145G>A on transcript NM_000528.4 (MANE Select); coding-DNA position 2145, G replaced by A.
Protein change: p.Ser715=; no amino-acid change (serine 715 retained).
Molecular consequence: synonymous variant.
Genome position (GRCh38, 1-based): chr19:12,650,124, C>T on the plus strand (G>A on the coding strand, the complement: MAN2B1 is on the minus strand). VCF-style: chr19-12650124-C-T. GRCh37 (hg19) VCF-style: chr19-12760938-C-T.
Other names: c.2142G>A, p.Ser714= (NM_001173498.2).
Identifiers: ClinVar variation 888938 (VCV000888938.5), dbSNP rs776158673, ClinGen allele CA9226193.

ClinVar aggregate classification (germline): Uncertain significance. Review status: criteria provided, multiple submitters, no conflicts (2 of 4 stars). 2 submissions from 2 submitters: Uncertain significance (2). Last evaluated 2026-01-22.

Conditions:
Deficiency of alpha-mannosidase (MANSA). Also called: LYSOSOMAL ALPHA-D-MANNOSIDASE DEFICIENCY; Alpha-Mannosidosis; Mannosidosis, alpha-, types I and II. Identifiers: Orphanet 61, MedGen C0024748, MONDO:0009561, OMIM 248500.
MAN2B1-related disorder. Also called: MAN2B1-related condition.

Allele frequency attached by ClinVar (database versions not stated): TOPMed 0.00001; ExAC 0.00002; gnomAD exomes 0.00003.
gnomAD v4.1: 24 of 1,614,066 alleles (0.0015%); highest among the groups gnomAD compares: South Asian, 0.0066%; no homozygotes.

Submissions (2):

PreventionGenetics, part of Exact Sciences
Classification: Uncertain significance for MAN2B1-related condition. Last evaluated: 2026-01-22. Review status: criteria provided, single submitter. Criteria: ACMG Guidelines, 2015. Collection method: clinical testing. Allele origin: germline.
Comment: The MAN2B1 c.2145G>A variant is not predicted to result in an amino acid change (p.=). This variant is predicted to impact splicing based on available splicing prediction programs (SpliceAI, Jaganathan et al. 2019. PubMed ID: 30661751). To our knowledge, this variant has not been reported in the literature. This variant is reported in 0.0099% of alleles in individuals of Ashkenazi Jewish descent in gnomAD. At this time, the clinical significance of this variant is uncertain due to the absence of conclusive functional and genetic evidence.

Illumina Laboratory Services, Illumina
Classification: Uncertain significance for Deficiency of alpha-mannosidase. Last evaluated: 2018-01-13. Review status: criteria provided, single submitter. Criteria: ICSL Variant Classification Criteria 13 December 2019. Collection method: clinical testing. Allele origin: germline.